The following is an entry in ClinVar:

NM_001330260.2(SCN8A):c.647T>C (p.Val216Ala)

Gene: SCN8A (sodium voltage-gated channel alpha subunit 8; plus strand). Cytogenetic location: 12q13.13.
Variant type: single nucleotide variant.
Coding change: c.647T>C on transcript NM_001330260.2 (MANE Select); coding-DNA position 647, T replaced by C.
Protein change: p.Val216Ala; replaces valine 216 with alanine.
Molecular consequence: missense variant. On other transcripts: intron variant (2).
Genome position (GRCh38, 1-based): chr12:51,689,037, T>C. VCF-style: chr12-51689037-T-C. GRCh37 (hg19) VCF-style: chr12-52082821-T-C.
Other names: c.647T>C, p.Val216Ala (NM_001369788.1); c.706+188T>C (NM_014191.4, NM_001177984.3); short protein forms V216A.
Identifiers: ClinVar variation 461348 (VCV000461348.9), dbSNP rs1555217390, ClinGen allele CA385224542.

ClinVar aggregate classification (germline): Conflicting classifications of pathogenicity. Review status: criteria provided, conflicting classifications (1 of 4 stars). 2 submissions from 2 submitters: Likely pathogenic (1); Uncertain significance (1). Last evaluated 2025-12-11.

Conditions:
Autosomal dominant SCN8A-related disorders.
Early-infantile DEE. Also called: Early infantile epileptic encephalopathy; Early infantile epileptic encephalopathy with suppression bursts; Ohtahara syndrome. Identifiers: Orphanet 1934, MedGen C0393706, MONDO:0800491.

Submissions (2):

Variantyx, Inc.
Classification: Likely pathogenic for Autosomal dominant SCN8A-related disorders. Last evaluated: 2025-12-11. Review status: criteria provided, single submitter. Criteria: Variantyx Assertion Criteria 2022. Collection method: clinical testing. Allele origin: de novo. Inheritance: Autosomal dominant inheritance. Affected: yes.
Comment: This is a nonsynonymous variant in the SCN8A gene (OMIM: 600702). Pathogenic variants in this gene have been associated with autosomal dominant SCN8A-related disorders (PMID:PMID:16236810;22365152;26677014). The alteration lies within a known hotspot for pathogenic variants or a well-established critical functional domain of the SCN8A protein (PM1). Multiple computational algorithms predict a deleterious effect for this variant (REVEL score: 0.948) (PP3). This variant is absent from control populations (PM2) and it has not been reported in individuals with SCN8A-related disorders in the databases available for review. Based on the current evidence, this variant is classified as likely pathogenic for autosomal dominant SCN8A-related disorders.

Labcorp Genetics (formerly Invitae), Labcorp
Classification: Uncertain significance for Early-infantile DEE. Last evaluated: 2023-05-23. Review status: criteria provided, single submitter. Criteria: Invitae Variant Classification Sherloc (09022015). Collection method: clinical testing. Allele origin: germline.
Comment: In summary, the available evidence is currently insufficient to determine the role of this variant in disease. Therefore, it has been classified as a Variant of Uncertain Significance. Algorithms developed to predict the effect of sequence changes on RNA splicing suggest that this variant is not likely to affect RNA splicing. Experimental studies and prediction algorithms are not available or were not evaluated, and the functional significance of this variant is currently unknown. ClinVar contains an entry for this variant (Variation ID: 461348). This variant has not been reported in the literature in individuals affected with SCN8A-related conditions. This variant is not present in population databases (gnomAD no frequency). This sequence change replaces valine, which is neutral and non-polar, with alanine, which is neutral and non-polar, at codon 216 of the SCN8A protein (p.Val216Ala). The SCN8A gene has multiple clinically relevant transcripts. This variant occurs in alternate transcript NM_001330260.1, and corresponds to NM_014191.3:c.706+188T>C in the primary transcript.

Literature cited by the submitters: PubMed 16236810 (cited by Variantyx, Inc.); PubMed 22365152 (cited by Variantyx, Inc.); PubMed 26677014 (cited by Variantyx, Inc.).